The following is an entry in ClinVar:

ClinVar aggregate classification (germline): Uncertain significance (1 of 4 stars; one submission).

Allele frequency attached by ClinVar (database versions not stated): gnomAD exomes below 0.00001.
gnomAD v4.1: 3 of 1,614,110 alleles (0.00019%); highest among the groups gnomAD compares: Non-Finnish European, 0.00025%; no homozygotes.

Submission:

CeGaT Center for Human Genetics Tuebingen
Classification: Uncertain significance. Last evaluated: 2022-12-01. Review status: criteria provided, single submitter. Criteria: CeGaT Center For Human Genetics Tuebingen Variant Classification Criteria Version 2. Collection method: clinical testing. Allele origin: germline. Affected: yes. Observed: 1 variant allele.
Comment: WDFY3: PM2, PP2

NM_014991.6(WDFY3):c.10531T>C (p.Tyr3511His)

Gene: WDFY3 (WD repeat and FYVE domain containing 3; minus strand). Cytogenetic location: 4q21.23.
Variant type: single nucleotide variant.
Coding change: c.10531T>C on transcript NM_014991.6 (MANE Select); coding-DNA position 10531, T replaced by C.
Protein change: p.Tyr3511His; replaces tyrosine 3511 with histidine.
Molecular consequence: missense variant.
Genome position (GRCh38, 1-based): chr4:84,672,918, A>G on the plus strand (T>C on the coding strand, the complement: WDFY3 is on the minus strand). VCF-style: chr4-84672918-A-G. GRCh37 (hg19) VCF-style: chr4-85594071-A-G.
Other names: short protein forms Y3511H.
Identifiers: ClinVar variation 1879606 (VCV001879606.29), dbSNP rs2530161175, ClinGen allele CA357264336.